The following is an entry in ClinVar:

NM_021930.6(RINT1):c.2011T>C (p.Phe671Leu)

Genes: EFCAB10 (EF-hand calcium binding domain 10; minus strand), RINT1 (RAD50 interactor 1; plus strand). Cytogenetic location: 7q22.3.
Variant type: single nucleotide variant.
Coding change: c.2011T>C on transcript NM_021930.6 (MANE Select); coding-DNA position 2011, T replaced by C.
Protein change: p.Phe671Leu; replaces phenylalanine 671 with leucine.
Molecular consequence: missense variant. On other transcripts: 3 prime UTR variant (3), non-coding transcript variant (1).
Genome position (GRCh38, 1-based): chr7:105,565,401, T>C. VCF-style: chr7-105565401-T-C. GRCh37 (hg19) VCF-style: chr7-105205848-T-C.
Other names: c.*46A>G (NM_001355526.2); c.*148A>G (NM_001355530.2); c.*1A>G (NM_001355531.2); c.1777T>C, p.Phe593Leu (NM_001346599.2); c.988T>C, p.Phe330Leu (NM_001346600.2, NM_001346603.2); c.1087T>C, p.Phe363Leu (NM_001346601.2); short protein forms F330L, F363L, F593L, F671L.
Identifiers: ClinVar variation 1001882 (VCV001001882.11), dbSNP rs949105262, ClinGen allele CA164067847.

ClinVar aggregate classification (germline): Uncertain significance. Review status: criteria provided, multiple submitters, no conflicts (2 of 4 stars). 2 submissions from 2 submitters: Uncertain significance (2). Last evaluated 2025-09-13.

Submissions (2):

Ambry Genetics
Classification: Uncertain significance. Last evaluated: 2025-09-13. Review status: criteria provided, single submitter. Criteria: Ambry Variant Classification Scheme 2023. Collection method: clinical testing. Allele origin: germline.
Comment: The p.F671L variant (also known as c.2011T>C), located in coding exon 13 of the RINT1 gene, results from a T to C substitution at nucleotide position 2011. The phenylalanine at codon 671 is replaced by leucine, an amino acid with highly similar properties. This amino acid position is conserved. In addition, the in silico prediction for this alteration is inconclusive. Since supporting evidence is limited at this time, the clinical significance of this alteration remains unclear.

Labcorp Genetics (formerly Invitae), Labcorp
Classification: Uncertain significance. Last evaluated: 2020-07-08. Review status: criteria provided, single submitter. Criteria: Invitae Variant Classification Sherloc (09022015). Collection method: clinical testing. Allele origin: germline.
Comment: This sequence change replaces phenylalanine with leucine at codon 671 of the RINT1 protein (p.Phe671Leu). The phenylalanine residue is highly conserved and there is a small physicochemical difference between phenylalanine and leucine. This variant is not present in population databases (ExAC no frequency). This variant has not been reported in the literature in individuals with RINT1-related conditions. Algorithms developed to predict the effect of missense changes on protein structure and function are either unavailable or do not agree on the potential impact of this missense change (SIFT: "Deleterious"; PolyPhen-2: "Probably Damaging"; Align-GVGD: "Class C0"). In summary, the available evidence is currently insufficient to determine the role of this variant in disease. Therefore, it has been classified as a Variant of Uncertain Significance.